The following is an entry in ClinVar:

NM_145699.4(APOBEC3A):c.126T>C (p.Asn42=)

Gene: APOBEC3A (apolipoprotein B mRNA editing enzyme catalytic subunit 3A; plus strand). Cytogenetic location: 22q13.1.
Variant type: single nucleotide variant.
Coding change: c.126T>C on transcript NM_145699.4 (MANE Select); coding-DNA position 126, T replaced by C.
Protein change: p.Asn42=; no amino-acid change (asparagine 42 retained).
Molecular consequence: synonymous variant.
Genome position (GRCh38, 1-based): chr22:38,959,638, T>C. VCF-style: chr22-38959638-T-C. GRCh37 (hg19) VCF-style: chr22-39355643-T-C.
Other names: c.72T>C, p.Asn24= (NM_001270406.2).
Identifiers: ClinVar variation 2653139 (VCV002653139.24), dbSNP rs551609285, ClinGen allele CA10237005.
Genomic context (GRCh38, chr22:38,959,638, plus strand): 5'-TAACAATGGCATTGGAAGGCATAAGACCTACCTGTGCTACGAAGTGGAGCGCCTGGACAA[T>C]GGCACCTCGGTCAAGATGGACCAGCACAGGGGCTTTCTACACAACCAGGTGACCGACCCA-3'
Protein context (NP_663745.1, residues 32-52): YLCYEVERLD[Asn42=]GTSVKMDQHR

ClinVar aggregate classification (germline): Likely benign (1 of 4 stars; one submission).

Allele frequency attached by ClinVar (database versions not stated): TOPMed 0.00002; gnomAD 0.00012; gnomAD exomes 0.00024; 1000 Genomes Project 30x 0.00031; 1000 Genomes Project 0.00040; ExAC 0.00043.

Submission:

CeGaT Center for Human Genetics Tuebingen
Classification: Likely benign. Last evaluated: 2022-04-01. Review status: criteria provided, single submitter. Criteria: CeGaT Center For Human Genetics Tuebingen Variant Classification Criteria Version 2. Collection method: clinical testing. Allele origin: germline. Affected: yes. Observed: 1 variant allele.
Comment: APOBEC3A: BP4, BP7